The following is an entry in ClinVar:

NC_000006.11:g.(?_123892048)_(123957920_?)del

Gene: TRDN (triadin; minus strand). Cytogenetic location: 6q22.31.
Variant type: Deletion.
Identifiers: ClinVar variation 3245992 (VCV003245992.1).

ClinVar aggregate classification (germline): Pathogenic (1 of 4 stars; one submission).

Conditions:
Catecholaminergic polymorphic ventricular tachycardia 1. Also called: RYR2-Related Catecholaminergic Polymorphic Ventricular Tachycardia; VENTRICULAR TACHYCARDIA, CATECHOLAMINERGIC POLYMORPHIC, 1, WITH OR WITHOUT ATRIAL DYSFUNCTION AND/OR DILATED CARDIOMYOPATHY; VENTRICULAR TACHYCARDIA, STRESS-INDUCED POLYMORPHIC 1. Identifiers: Orphanet 3286, MedGen C1631597, MONDO:0011484, OMIM 604772.

Submission:

Labcorp Genetics (formerly Invitae), Labcorp
Classification: Pathogenic for Catecholaminergic polymorphic ventricular tachycardia 1. Last evaluated: 2023-03-24. Review status: criteria provided, single submitter. Criteria: Invitae Variant Classification Sherloc (09022015). Collection method: clinical testing. Allele origin: unknown.
Comment: For these reasons, this variant has been classified as Pathogenic. This variant has not been reported in the literature in individuals affected with TRDN-related conditions. This variant is a gross deletion of the genomic region encompassing exon(s) 1-2 of the TRDN gene, which includes the initiator codon. This deletion extends beyond the assayed region for this gene and therefore may encompass additional genes. It is expected to result in an absent or disrupted protein product. Loss-of-function variants in TRDN are known to be pathogenic (PMID: 22422768, 25922419, 26200674, 30649896).

Literature cited by the submitters: PubMed 22422768; PubMed 25922419; PubMed 26200674; PubMed 30649896.